The following is an entry in ClinVar:

ClinVar aggregate classification (germline): Uncertain significance (1 of 4 stars; one submission).

Conditions:
Aortic aneurysm, familial thoracic 7 (AAT7). Also called: AORTIC DISSECTION, FAMILIAL, WITH OR WITHOUT AORTIC ANEURYSM. Identifiers: MedGen C3151077, MONDO:0013418, OMIM 613780.

gnomAD v4.1: 5 of 1,613,894 alleles (0.00031%); highest among the groups gnomAD compares: Admixed American, 0.005%; no homozygotes.

Submission:

Labcorp Genetics (formerly Invitae), Labcorp
Classification: Uncertain significance for Aortic aneurysm, familial thoracic 7. Last evaluated: 2022-03-06. Review status: criteria provided, single submitter. Criteria: Invitae Variant Classification Sherloc (09022015). Collection method: clinical testing. Allele origin: germline.
Comment: This sequence change falls in intron 15 of the MYLK gene. It does not directly change the encoded amino acid sequence of the MYLK protein. It affects a nucleotide within the consensus splice site. This variant is present in population databases (no rsID available, gnomAD 0.006%). This variant has not been reported in the literature in individuals affected with MYLK-related conditions. Variants that disrupt the consensus splice site are a relatively common cause of aberrant splicing (PMID: 17576681, 9536098). Algorithms developed to predict the effect of sequence changes on RNA splicing suggest that this variant is not likely to affect RNA splicing. In summary, the available evidence is currently insufficient to determine the role of this variant in disease. Therefore, it has been classified as a Variant of Uncertain Significance.

Literature cited by the submitters: PubMed 17576681; PubMed 9536098.

NM_053025.4(MYLK):c.2140+6G>C

Gene: MYLK (myosin light chain kinase; minus strand). Cytogenetic location: 3q21.1.
Variant type: single nucleotide variant.
Coding change: c.2140+6G>C on transcript NM_053025.4 (MANE Select); 6 bases into the intron after coding-DNA position 2140, G replaced by C.
Molecular consequence: intron variant.
Genome position (GRCh38, 1-based): chr3:123,708,692, C>G on the plus strand (G>C on the coding strand, the complement: MYLK is on the minus strand). VCF-style: chr3-123708692-C-G. GRCh37 (hg19) VCF-style: chr3-123427539-C-G.
Other names: c.1612+6G>C (NM_001321309.2); c.1933+6G>C (NM_053028.4, NM_053026.4); c.2140+6G>C (NM_053027.4).
Identifiers: ClinVar variation 2049689 (VCV002049689.4), dbSNP rs374346618, ClinGen allele CA545981361.